The following is an entry in ClinVar:

ClinVar aggregate classification (germline): Uncertain significance (1 of 4 stars; one submission).

Conditions:
Leukodystrophy, hypomyelinating, 16. Identifiers: MedGen C4693779, MONDO:0054791, OMIM 617964.

Submission:

Laboratorio de Genetica e Diagnostico Molecular, Hospital Israelita Albert Einstein
Classification: Uncertain significance for Leukodystrophy, hypomyelinating, 16. Last evaluated: 2024-03-30. Review status: criteria provided, single submitter. Criteria: ACMG Guidelines, 2015. Collection method: clinical testing. Allele origin: germline. Affected: yes.
Comment: ACMG classification criteria: PM2 supporting, BP4 supporting

NM_001134232.2(TMEM106B):c.595G>A (p.Val199Ile)

Gene: TMEM106B (transmembrane protein 106B; plus strand). Cytogenetic location: 7p21.3.
Variant type: single nucleotide variant.
Coding change: c.595G>A on transcript NM_001134232.2 (MANE Select); coding-DNA position 595, G replaced by A.
Protein change: p.Val199Ile; replaces valine 199 with isoleucine.
Molecular consequence: missense variant.
Genome position (GRCh38, 1-based): chr7:12,230,401, G>A. VCF-style: chr7-12230401-G-A. GRCh37 (hg19) VCF-style: chr7-12270027-G-A.
Other names: c.595G>A, p.Val199Ile (NM_018374.4); short protein forms V199I.
Identifiers: ClinVar variation 4076258 (VCV004076258.1).